The following is an entry in ClinVar:

ClinVar aggregate classification (germline): Uncertain significance (1 of 4 stars; one submission).

Allele frequency attached by ClinVar (database versions not stated): gnomAD exomes below 0.00001; TOPMed below 0.00001.
gnomAD v4.1: 2 of 1,613,296 alleles (0.00012%); highest among the groups gnomAD compares: Admixed American, 0.0017%; no homozygotes.

Submission:

Labcorp Genetics (formerly Invitae), Labcorp
Classification: Uncertain significance. Last evaluated: 2022-06-07. Review status: criteria provided, single submitter. Criteria: Invitae Variant Classification Sherloc (09022015). Collection method: clinical testing. Allele origin: germline.
Comment: In summary, the available evidence is currently insufficient to determine the role of this variant in disease. Therefore, it has been classified as a Variant of Uncertain Significance. Algorithms developed to predict the effect of missense changes on protein structure and function are either unavailable or do not agree on the potential impact of this missense change (SIFT: "Deleterious"; PolyPhen-2: "Possibly Damaging"; Align-GVGD: "Class C0"). This variant has not been reported in the literature in individuals affected with CAMK2B-related conditions. This variant is present in population databases (no rsID available, gnomAD 0.007%). This sequence change replaces isoleucine, which is neutral and non-polar, with methionine, which is neutral and non-polar, at codon 610 of the CAMK2B protein (p.Ile610Met).

NM_001220.5(CAMK2B):c.1830T>G (p.Ile610Met)

Gene: CAMK2B (calcium/calmodulin dependent protein kinase II beta; minus strand). Cytogenetic location: 7p13.
Variant type: single nucleotide variant.
Coding change: c.1830T>G on transcript NM_001220.5 (MANE Select); coding-DNA position 1830, T replaced by G.
Protein change: p.Ile610Met; replaces isoleucine 610 with methionine.
Molecular consequence: missense variant.
Genome position (GRCh38, 1-based): chr7:44,220,233, A>C on the plus strand (T>G on the coding strand, the complement: CAMK2B is on the minus strand). VCF-style: chr7-44220233-A-C. GRCh37 (hg19) VCF-style: chr7-44259832-A-C.
Other names: c.1458T>G, p.Ile486Met (NM_001293170.2, NM_172078.3); c.1386T>G, p.Ile462Met (NM_172079.3); c.1383T>G, p.Ile461Met (NM_172080.3); c.1341T>G, p.Ile447Met (NM_172081.3); c.1308T>G, p.Ile436Met (NM_172082.3); c.1269T>G, p.Ile423Met (NM_172083.3); c.1179T>G, p.Ile393Met (NM_172084.3); short protein forms I462M, I610M, I393M, I486M, I423M, I436M, I447M, I461M.
Identifiers: ClinVar variation 2117608 (VCV002117608.4), dbSNP rs1255919334, ClinGen allele CA367368687.